The following is an entry in ClinVar:

NM_000133.4(F9):c.892C>T (p.Arg298Ter)

Gene: F9 (coagulation factor IX; plus strand). Cytogenetic location: Xq27.1.
Variant type: single nucleotide variant.
Coding change: c.892C>T on transcript NM_000133.4 (MANE Select); coding-DNA position 892, C replaced by T.
Protein change: p.Arg298Ter; replaces arginine 298 with a stop codon.
Molecular consequence: nonsense.
Genome position (GRCh38, 1-based): chrX:139,561,577, C>T. VCF-style: chrX-139561577-C-T. GRCh37 (hg19) VCF-style: chrX-138643736-C-T.
Other names: F9, ARG252TER; R252*; c.778C>T, p.Arg260Ter (NM_001313913.2); short protein forms R298*, R260*.
Identifiers: ClinVar variation 10603 (VCV000010603.16), dbSNP rs137852250, ClinGen allele CA255370.

ClinVar aggregate classification (germline): Pathogenic. Review status: criteria provided, multiple submitters, no conflicts (2 of 4 stars). 5 submissions from 5 submitters: Pathogenic (4). 1 of the submissions does not count toward it. Last evaluated 2026-03-24.

Conditions:
Warfarin sensitivity, X-linked. Also called: COUMARIN SENSITIVITY, X-LINKED. Identifiers: MedGen C5393318, OMIM 301052, MONDO:0026768.
Hereditary factor IX deficiency disease (HEMB). Also called: F9 DEFICIENCY; FACTOR IX DEFICIENCY; PLASMA THROMBOPLASTIN COMPONENT DEFICIENCY; Christmas Disease; Hemophilia B. Identifiers: Orphanet 98879, MedGen C0008533, MeSH D002836, MONDO:0010604, OMIM 306900.
Thrombophilia, X-linked, due to factor 9 defect. Identifiers: MedGen C2749016, MONDO:0010432, OMIM 300807.

Allele frequency attached by ClinVar (database versions not stated): TOPMed 0.00005.

Submissions (5):

Women's Health and Genetics/Laboratory Corporation of America, LabCorp
Classification: Pathogenic for Hereditary factor IX deficiency disease. Last evaluated: 2026-03-24. Review status: criteria provided, single submitter. Criteria: LabCorp Variant Classification Summary - May 2015. Collection method: clinical testing. Allele origin: germline.
Comment: Variant summary: F9 c.892C>T (p.Arg298X) results in a premature termination codon in the last exon and is predicted to cause a truncation of the encoded protein, however, nonsense mediated decay is not expected to occur. The variant was absent in 179622 control chromosomes. c.892C>T has been observed in multiple individuals affected with Factor IX Deficiency (Hemophilia B), including affected males from the same family (e.g. Chen_1989, Yu_2012, Hallden_2013). These data indicate that the variant is very likely to be associated with disease. The following publications have been ascertained in the context of this evaluation (PMID: 2929599, 24219067, 22544209). ClinVar contains an entry for this variant (Variation ID: 10603). Based on the evidence outlined above, the variant was classified as pathogenic.

Labcorp Genetics (formerly Invitae), Labcorp
Classification: Pathogenic for Thrombophilia, X-linked, due to factor 9 defect; Hereditary factor IX deficiency disease. Last evaluated: 2023-10-20. Review status: criteria provided, single submitter. Criteria: Invitae Variant Classification Sherloc (09022015). Collection method: clinical testing. Allele origin: germline.
Comment: This sequence change creates a premature translational stop signal (p.Arg298*) in the F9 gene. While this is not anticipated to result in nonsense mediated decay, it is expected to disrupt the last 164 amino acid(s) of the F9 protein. This variant is not present in population databases (gnomAD no frequency). This premature translational stop signal has been observed in individuals with clinical features of F9-related conditions (PMID: 2929599, 22544209, 32155688, 32875744). This variant is also known as c.30875 (p.Arg252Ter). ClinVar contains an entry for this variant (Variation ID: 10603). For these reasons, this variant has been classified as Pathogenic.

ARUP Laboratories, Molecular Genetics and Genomics, ARUP Laboratories
Classification: Pathogenic. Last evaluated: 2019-03-19. Review status: criteria provided, single submitter. Criteria: ARUP Molecular Germline Variant Investigation Process. Collection method: clinical testing. Allele origin: germline.
Comment: The F9 c.892C>T; p.Arg298Ter variant (rs137852250), also known as Arg252Ter in the mature protein, is published in the medical literature in individuals with severe hemophilia B (Belvini 2005, Chen 1989, Jayandharan 2009). The variant is reported in the ClinVar database (Variation ID: 10603) but is absent from general population databases (1000 Genomes Project, Exome Variant Server, and Genome Aggregation Database), indicating it is not a common polymorphism. This variant induces an early termination codon and is predicted to result in a truncated protein or mRNA subject to nonsense-mediated decay. Considering available information, this variant is classified as pathogenic. References: Belvini D et al. Molecular genotyping of the Italian cohort of patients with hemophilia B. Haematologica. 2005 May;90(5):635-42. Chen SH et al. Factor IXPortland: a nonsense mutation (CGA to TGA) resulting in hemophilia B. Am J Hum Genet. 1989 Apr;44(4):567-9. Jayandharan GR et al. Polymorphism in factor VII gene modifies phenotype of severe haemophilia. Haemophilia. 2009 Nov;15(6):1228-36.

Juno Genomics, Hangzhou Juno Genomics, Inc
Classification: Pathogenic for Thrombophilia, X-linked, due to factor 9 defect; Warfarin sensitivity, X-linked; Hereditary factor IX deficiency disease. Review status: criteria provided, single submitter. Criteria: ACMG Guidelines, 2015. Collection method: clinical testing. Allele origin: germline. Affected: yes.
Comment: Absent from controls (or at extremely low frequency if recessive) in Genome Aggregation Database, Exome Sequencing Project, 1000 Genomes Project, or Exome Aggregation Consortium.;Null variant in a gene where loss of function (LOF) is a known mechanism of disease.;The prevalence of the variant in affected individuals is significantly increased compared to the prevalence in controls.;Patient's phenotype or family history is highly specific for a disease with a single genetic etiology.

OMIM
Classification: Pathogenic for HEMOPHILIA B. Last evaluated: 1989-04-01. Review status: no assertion criteria provided. Collection method: literature only. Allele origin: germline. Not counted in ClinVar's aggregate classification.

Literature cited by the submitters: PubMed 22544209 (cited by Women's Health and Genetics/Laboratory Corporation of America, LabCorp and Labcorp Genetics (formerly Invitae), Labcorp); PubMed 24219067 (cited by Women's Health and Genetics/Laboratory Corporation of America, LabCorp); PubMed 2929599 (cited by 3 submitters); PubMed 32155688 (cited by Labcorp Genetics (formerly Invitae), Labcorp); PubMed 32875744 (cited by Labcorp Genetics (formerly Invitae), Labcorp).